The following is an entry in ClinVar:

NM_001378454.1(ALMS1):c.1886G>A (p.Gly629Asp)

Gene: ALMS1 (ALMS1 centrosome and basal body associated protein; plus strand). Cytogenetic location: 2p13.1.
Variant type: single nucleotide variant.
Coding change: c.1886G>A on transcript NM_001378454.1 (MANE Select); coding-DNA position 1886, G replaced by A.
Protein change: p.Gly629Asp; replaces glycine 629 with aspartic acid.
Molecular consequence: missense variant.
Genome position (GRCh38, 1-based): chr2:73,448,413, G>A. VCF-style: chr2-73448413-G-A. GRCh37 (hg19) VCF-style: chr2-73675540-G-A.
Other names: c.1889G>A, p.Gly630Asp (NM_015120.4); short protein forms G630D, G629D.
Identifiers: ClinVar variation 575048 (VCV000575048.13), dbSNP rs531859344, ClinGen allele CA1713238.

ClinVar aggregate classification (germline): Conflicting classifications of pathogenicity. Review status: criteria provided, conflicting classifications (1 of 4 stars). 6 submissions from 6 submitters: Uncertain significance (4); Likely benign (1). 1 of the submissions does not count toward it. Last evaluated 2024-01-03.

Conditions:
Cardiovascular phenotype. Identifiers: MedGen CN230736.
Alstrom syndrome (ALMS). Identifiers: Orphanet 64, MedGen C0268425, MONDO:0008763, OMIM 203800.

Allele frequency attached by ClinVar (database versions not stated): gnomAD exomes below 0.00001 and 0.00001; ExAC 0.00001; gnomAD 0.00004 and 0.00005; TOPMed 0.00006; 1000 Genomes Project 0.00020; 1000 Genomes Project 30x 0.00031.
gnomAD v4.1: 14 of 1,613,960 alleles (0.00087%); highest among the groups gnomAD compares: African/African-American, 0.016%; 1 homozygote.

Submissions (6):

Ambry Genetics
Classification: Likely benign for Cardiovascular phenotype. Last evaluated: 2024-01-03. Review status: criteria provided, single submitter. Criteria: Ambry Variant Classification Scheme 2023. Collection method: clinical testing. Allele origin: germline.

GeneDx
Classification: Uncertain significance. Last evaluated: 2023-04-26. Review status: criteria provided, single submitter. Criteria: GeneDx Variant Classification Process June 2021. Collection method: clinical testing. Allele origin: germline. Affected: yes.
Comment: In silico analysis supports that this missense variant does not alter protein structure/function; Has not been previously published as pathogenic or benign to our knowledge

Labcorp Genetics (formerly Invitae), Labcorp
Classification: Uncertain significance for Alstrom syndrome. Last evaluated: 2022-10-17. Review status: criteria provided, single submitter. Criteria: Invitae Variant Classification Sherloc (09022015). Collection method: clinical testing. Allele origin: germline.
Comment: This sequence change replaces glycine, which is neutral and non-polar, with aspartic acid, which is acidic and polar, at codon 630 of the ALMS1 protein (p.Gly630Asp). This variant is present in population databases (rs531859344, gnomAD 0.02%). This variant has not been reported in the literature in individuals affected with ALMS1-related conditions. ClinVar contains an entry for this variant (Variation ID: 575048). Experimental studies and prediction algorithms are not available or were not evaluated, and the functional significance of this variant is currently unknown. In summary, the available evidence is currently insufficient to determine the role of this variant in disease. Therefore, it has been classified as a Variant of Uncertain Significance.

Fulgent Genetics
Classification: Uncertain significance for Alstrom syndrome. Last evaluated: 2021-12-23. Review status: criteria provided, single submitter. Criteria: ACMG Guidelines, 2015. Collection method: clinical testing. Allele origin: unknown.

Johns Hopkins Genomics, Johns Hopkins University
Classification: Uncertain significance for Alstrom syndrome. Last evaluated: 2021-03-22. Review status: criteria provided, single submitter. Criteria: ACMG Guidelines, 2015. Collection method: clinical testing. Allele origin: germline.
Comment: ALMS1 c.1883G>A (rs531859344) is rare (<0.1%) in a large population dataset (gnomAD: 5/280468 total alleles; 0.0018%; no homozygotes). This ALMS1 variant has not been reported in the literature to our knowledge, but there is an entry for this variant in ClinVar (Variation ID: 575048). Of three bioinformatics tools queried, one predicts that the substitution would be possibly damaging, while two predict that it would be tolerated. The glycine residue at this position is not highly evolutionarily conserved among the species assessed. Due to insufficient evidence, we consider the clinical significance of c.1883G>A to be uncertain at this time.

Natera, Inc.
Classification: Uncertain significance for Alstrom syndrome. Last evaluated: 2021-10-06. Review status: no assertion criteria provided. Collection method: clinical testing. Allele origin: germline. Not counted in ClinVar's aggregate classification.

Literature cited by the submitters: PubMed 36413997 (cited by Ambry Genetics).